The following is an entry in ClinVar:

NM_000051.4(ATM):c.7318A>T (p.Lys2440Ter)

Genes: ATM (ATM serine/threonine kinase; plus strand), C11orf65 (chromosome 11 open reading frame 65; minus strand). Cytogenetic location: 11q22.3.
Variant type: single nucleotide variant.
Coding change: c.7318A>T on transcript NM_000051.4 (MANE Select); coding-DNA position 7318, A replaced by T.
Protein change: p.Lys2440Ter; replaces lysine 2440 with a stop codon.
Molecular consequence: nonsense. On other transcripts: intron variant (2).
Genome position (GRCh38, 1-based): chr11:108,330,224, A>T. VCF-style: chr11-108330224-A-T. GRCh37 (hg19) VCF-style: chr11-108200951-A-T.
Other names: c.7318A>T, p.Lys2440Ter (NM_001351834.2); c.641-21153T>A (NM_001330368.2); c.*38+4996T>A (NM_001351110.2); short protein forms K2440*.
Identifiers: ClinVar variation 3148604 (VCV003148604.1), dbSNP rs1565529306, ClinGen allele CA382559879.

ClinVar aggregate classification (germline): Pathogenic (1 of 4 stars; one submission).

Conditions:
Familial cancer of breast. Also called: hereditary breast carcinoma; BREAST CANCER, FAMILIAL; Hereditary breast cancer. Identifiers: Orphanet 227535, MedGen C0346153, MONDO:0016419, OMIM 114480. Disease mechanism: loss of function.

Submission:

Myriad Genetics, Inc.
Classification: Pathogenic for Familial cancer of breast. Last evaluated: 2024-02-21. Review status: criteria provided, single submitter. Criteria: Myriad Autosomal Dominant, Autosomal Recessive and X-Linked Classification Criteria (2023). Collection method: clinical testing. Allele origin: unknown.
Comment: This variant is considered pathogenic. This variant creates a termination codon and is predicted to result in premature protein truncation.